The following is an entry in ClinVar:

NM_000155.4(GALT):c.452T>C (p.Val151Ala)

Gene: GALT (galactose-1-phosphate uridylyltransferase; plus strand). Cytogenetic location: 9p13.3.
Variant type: single nucleotide variant.
Coding change: c.452T>C on transcript NM_000155.4 (MANE Select); coding-DNA position 452, T replaced by C.
Protein change: p.Val151Ala; replaces valine 151 with alanine.
Molecular consequence: missense variant.
Genome position (GRCh38, 1-based): chr9:34,647,906, T>C. VCF-style: chr9-34647906-T-C. GRCh37 (hg19) VCF-style: chr9-34647903-T-C.
Other names: c.125T>C, p.Val42Ala (NM_001258332.2); short protein forms V42A.
Identifiers: ClinVar variation 25180 (VCV000025180.18), dbSNP rs111033701, ClinGen allele CA259396.

ClinVar aggregate classification (germline): Pathogenic/Likely pathogenic. Review status: criteria provided, multiple submitters, no conflicts (2 of 4 stars). 6 submissions from 6 submitters: Pathogenic (3); Likely pathogenic (2). 1 of the submissions does not count toward it. Last evaluated 2026-04-22.

Conditions:
GALT-related disorder. Also called: GALT-related condition.
Galactosemia. Also called: Galactose intolerance. Identifiers: Orphanet 352, MedGen C0016952, MONDO:0018116, HP:0004919. Disease mechanism: loss of function.
Deficiency of UDPglucose-hexose-1-phosphate uridylyltransferase. Also called: GALT deficiency; Galactosemia, classic; Transferase Deficiency Galactosemia; GALACTOSEMIA I; GALACTOSE-1-PHOSPHATE URIDYLYLTRANSFERASE DEFICIENCY. Identifiers: Orphanet 352, Orphanet 79239, MedGen C0268151, MONDO:0009258, OMIM 230400.

Submissions (6):

PreventionGenetics, part of Exact Sciences
Classification: Pathogenic for GALT-related condition. Last evaluated: 2026-04-22. Review status: criteria provided, single submitter. Criteria: ACMG Guidelines, 2015. Collection method: clinical testing. Allele origin: germline.
Comment: The GALT c.452T>C variant is predicted to result in the amino acid substitution p.Val151Ala. This variant has been reported in the homozygous state or with a second GALT variant in individuals with galactosemia (see, for example: Fridovich-Keil et al. 1995. PubMed ID: 7887417; Kozák et al. 2000. PubMed ID: 10649501; Schadewaldt et al. 2014. PubMed ID: 25268296). Experimental studies indicate this variant leads to reduced enzyme activity and protein abundance (Fridovich-Keil et al. 1995. PubMed ID: 7887417; Riehman et al. 2001. PubMed ID: 11152465). This variant has not been reported in a large population database (gnomAD), indicating it is rare. This variant is interpreted as pathogenic.

Natera, Inc.
Classification: Likely pathogenic for Galactosemia. Last evaluated: 2026-01-12. Review status: criteria provided, single submitter. Criteria: Natera Variant Classification Schema (03/2026). Collection method: clinical testing. Allele origin: germline.
Comment: The c.452T>C variant in GALT is a missense variant predicted to cause substitution of valine to alanine at amino acid 151. This variant is rare in the general population with a frequency below the threshold expected for the associated phenotype(s). This variant has been observed in one or more individuals affected with the associated recessive disease, as either homozygous or compound heterozygous with a second variant (PMID: 25268296, 7887417). This variant has been identified in one or more affected individual with a phenotype highly consistent with the associated gene (PMID:25268296). Computational prediction algorithms indicate this variant is likely to affect gene or protein function. Given the available evidence, this variant is classified as Likely Pathogenic.

Myriad Genetics, Inc.
Classification: Likely pathogenic for Deficiency of UDPglucose-hexose-1-phosphate uridylyltransferase. Last evaluated: 2025-05-15. Review status: criteria provided, single submitter. Criteria: Myriad Autosomal Dominant, Autosomal Recessive and X-Linked Classification Criteria (2023). Collection method: clinical testing. Allele origin: unknown.
Comment: NM_000155.3(GALT):c.452T>C(V151A) is a missense variant classified as likely pathogenic in the context of galactosemia. V151A has been observed in cases with relevant disease (PMID: 10649501, 10960497, 25268296, 33636947). Relevant functional assessments of this variant are not available in the literature. V151A has not been observed in referenced population frequency databases. In summary, NM_000155.3(GALT):c.452T>C(V151A) is a missense variant that has been observed more frequently in cases with the relevant disease than in healthy populations. Please note: this variant was assessed in the context of healthy population screening.

Women's Health and Genetics/Laboratory Corporation of America, LabCorp
Classification: Pathogenic for Deficiency of UDPglucose-hexose-1-phosphate uridylyltransferase. Last evaluated: 2021-07-13. Review status: criteria provided, single submitter. Criteria: LabCorp Variant Classification Summary - May 2015. Collection method: clinical testing. Allele origin: germline.
Comment: Variant summary: GALT c.452T>C (p.Val151Ala) results in a non-conservative amino acid change located in the Galactose-1-phosphate uridyl transferase, N-terminal domain of the encoded protein sequence. Five of five in-silico tools predict a damaging effect of the variant on protein function. The variant was absent in 251486 control chromosomes. c.452T>C has been reported in the literature in individuals affected with Galactosemia (e.g. Elsas_1995, Kozak_2000, Yuzyuk_2018). These data indicate that the variant is likely to be associated with disease. At least one publication reports experimental evidence evaluating an impact on protein function. The most pronounced variant effect results in <10% of normal activity (e.g. Fridovich-Keil_1995, Riehman_2001, Yuzyuk_2018). Two clinical diagnostic laboratories have submitted clinical-significance assessments for this variant to ClinVar after 2014 without evidence for independent evaluation. One laboratory classified the variant as pathogenic, and one laboratory classified the variant as uncertain significance. Based on the evidence outlined above, the variant was classified as pathogenic.

ARUP Laboratories, Molecular Genetics and Genomics, ARUP Laboratories
Classification: Pathogenic. Last evaluated: 2016-12-29. Review status: criteria provided, single submitter. Criteria: ARUP Molecular Germline Variant Investigation Process. Collection method: clinical testing. Allele origin: germline.

Counsyl
Classification: Uncertain significance for Deficiency of UDPglucose-hexose-1-phosphate uridylyltransferase. Last evaluated: 2017-05-30. Review status: no assertion criteria provided. Collection method: clinical testing. Allele origin: unknown. Not counted in ClinVar's aggregate classification.

Literature cited by the submitters: PubMed 25268296 (cited by 3 submitters); PubMed 7887417 (cited by Natera, Inc. and Women's Health and Genetics/Laboratory Corporation of America, LabCorp); PubMed 10649501 (cited by 3 submitters); PubMed 10960497 (cited by Myriad Genetics, Inc. and Counsyl); PubMed 33636947 (cited by Myriad Genetics, Inc. and Women's Health and Genetics/Laboratory Corporation of America, LabCorp); PubMed 11152465 (cited by Women's Health and Genetics/Laboratory Corporation of America, LabCorp and Counsyl); PubMed 7671959 (cited by Women's Health and Genetics/Laboratory Corporation of America, LabCorp); PubMed 20008339 (cited by Counsyl).